The following is an entry in ClinVar:

NM_015978.3(TNNI3K):c.2351+3_2351+9del

Genes: FPGT-TNNI3K (FPGT-TNNI3K readthrough; plus strand), LRRC53 (leucine rich repeat containing 53; minus strand), TNNI3K (TNNI3 interacting kinase; plus strand). Cytogenetic location: 1p31.1.
Variant type: Deletion.
Coding change: c.2351+3_2351+9del on transcript NM_015978.3 (MANE Select); bases 3 to 9 of the intron after coding-DNA position 2351, 7 bases deleted (GAGTGGT; older notation c.2351+3_2351+9delGAGTGGT).
Molecular consequence: splice donor variant. On other transcripts: intron variant (2).
Genome position (GRCh38, 1-based): chr1:74,492,269-74,492,275, GAGTGGT deleted; deleting any 7 consecutive bases within chr1:74,492,266-74,492,275 gives the same sequence; the c. name uses the placement nearest the transcript's 3' end. VCF-style (leftmost placement, unchanged base first): chr1-74492265-AGGTGAGT-A. GRCh37 (hg19) VCF-style: chr1-74957949-AGGTGAGT-A.
Other names: c.2654+3_2654+9del (NM_001112808.3); c.-8-11304_-8-11298del (NM_001364666.2); c.-26-8897_-26-8891del (NM_001382280.1).
Identifiers: ClinVar variation 4778896 (VCV004778896.1).

ClinVar aggregate classification (germline): Uncertain significance (1 of 4 stars; one submission).

Submission:

Labcorp Genetics (formerly Invitae), Labcorp
Classification: Uncertain significance. Last evaluated: 2025-05-03. Review status: criteria provided, single submitter. Criteria: Invitae Variant Classification Sherloc (09022015). Collection method: clinical testing. Allele origin: germline.
Comment: This sequence change falls in intron 23 of the TNNI3K gene. It does not directly change the encoded amino acid sequence of the TNNI3K protein. It affects a nucleotide within the consensus splice site. This variant is not present in population databases (gnomAD no frequency). This variant has not been reported in the literature in individuals affected with TNNI3K-related conditions. Variants that disrupt the consensus splice site are a relatively common cause of aberrant splicing (PMID: 17576681, 9536098). Algorithms developed to predict the effect of sequence changes on RNA splicing suggest that this variant may disrupt the consensus splice site. In summary, the available evidence is currently insufficient to determine the role of this variant in disease. Therefore, it has been classified as a Variant of Uncertain Significance.

Literature cited by the submitters: PubMed 17576681; PubMed 9536098.